The following is an entry in ClinVar:

NM_021076.4(NEFH):c.237_238delinsAA (p.Leu80Met)

Gene: NEFH (neurofilament heavy chain; plus strand). Cytogenetic location: 22q12.2.
Variant type: Indel.
Coding change: c.237_238delinsAA on transcript NM_021076.4 (MANE Select); coding-DNA positions 237 to 238, GC replaced by AA.
Protein change: p.Leu80Met; replaces leucine 80 with methionine.
Molecular consequence: missense variant.
Genome position (GRCh38, 1-based): chr22:29,480,499-29,480,500, GC replaced by AA. VCF-style: chr22-29480499-GC-AA. GRCh37 (hg19) VCF-style: chr22-29876488-GC-AA.
Other names: short protein forms L80M.
Identifiers: ClinVar variation 2704791 (VCV002704791.3), dbSNP rs2517968382, ClinGen allele CA2697552596.
Genomic context (GRCh38, chr22:29,480,499, plus strand): 5'-CGCCTCGCCCAGCCGCTTCCGTGGCGCAGGCGCCGCCTCAAGCACCGACTCGCTGGACAC[GC>AA]TGAGCAACGGGCCGGAGGGCTGCATGGTGGCGGTGGCCACCTCACGCAGTGAGAAGGAGC-3'
Protein context (NP_066554.2, residues 70-90): AASSTDSLDT[Leu80Met]SNGPEGCMVA

ClinVar aggregate classification (germline): Uncertain significance (1 of 4 stars; one submission).

Submission:

Labcorp Genetics (formerly Invitae), Labcorp
Classification: Uncertain significance. Last evaluated: 2023-12-22. Review status: criteria provided, single submitter. Criteria: Invitae Variant Classification Sherloc (09022015). Collection method: clinical testing. Allele origin: germline.
Comment: This sequence change replaces leucine, which is neutral and non-polar, with methionine, which is neutral and non-polar, at codon 80 of the NEFH protein (p.Leu80Met). Information on the frequency of this variant in the gnomAD database is not available, as this variant may be reported differently in the database. This variant has not been reported in the literature in individuals affected with NEFH-related conditions. Experimental studies and prediction algorithms are not available or were not evaluated, and the functional significance of this variant is currently unknown. In summary, the available evidence is currently insufficient to determine the role of this variant in disease. Therefore, it has been classified as a Variant of Uncertain Significance.